The following is an entry in ClinVar:

NM_006922.4(SCN3A):c.239T>G (p.Leu80Arg)

Gene: SCN3A (sodium voltage-gated channel alpha subunit 3; minus strand). Cytogenetic location: 2q24.3.
Variant type: single nucleotide variant.
Coding change: c.239T>G on transcript NM_006922.4 (MANE Select); coding-DNA position 239, T replaced by G.
Protein change: p.Leu80Arg; replaces leucine 80 with arginine.
Molecular consequence: missense variant.
Genome position (GRCh38, 1-based): chr2:165,176,156, A>C on the plus strand (T>G on the coding strand, the complement: SCN3A is on the minus strand). VCF-style: chr2-165176156-A-C. GRCh37 (hg19) VCF-style: chr2-166032666-A-C.
Other names: c.239T>G, p.Leu80Arg (NM_001081676.2, NM_001081677.2); short protein forms L80R.
Identifiers: ClinVar variation 1386821 (VCV001386821.6), dbSNP rs2105924299, ClinGen allele CA349240749.

ClinVar aggregate classification (germline): Uncertain significance (1 of 4 stars; one submission).

Submission:

Labcorp Genetics (formerly Invitae), Labcorp
Classification: Uncertain significance. Last evaluated: 2021-10-14. Review status: criteria provided, single submitter. Criteria: Invitae Variant Classification Sherloc (09022015). Collection method: clinical testing. Allele origin: germline.
Comment: This variant is not present in population databases (ExAC no frequency). In summary, the available evidence is currently insufficient to determine the role of this variant in disease. Therefore, it has been classified as a Variant of Uncertain Significance. Algorithms developed to predict the effect of missense changes on protein structure and function are either unavailable or do not agree on the potential impact of this missense change (SIFT: "Deleterious"; PolyPhen-2: "Probably Damaging"; Align-GVGD: "Class C0"). This variant has not been reported in the literature in individuals affected with SCN3A-related conditions. This sequence change replaces leucine with arginine at codon 80 of the SCN3A protein (p.Leu80Arg). The leucine residue is highly conserved and there is a moderate physicochemical difference between leucine and arginine.